The following is an entry in ClinVar:

ClinVar aggregate classification (germline): Pathogenic (1 of 4 stars; one submission).

Conditions:
Retinoblastoma (RB1). Also called: RETINOBLASTOMA, SOMATIC. Identifiers: Orphanet 790, MedGen C0035335, MeSH D012175, MONDO:0008380, OMIM 180200, HP:0009919. Disease mechanism: loss of function. Inheritance: Both sporadic and heritable forms are tested..

Submission:

Genetic Diagnostic Laboratory, University of Pennsylvania School of Medicine
Classification: Pathogenic for Retinoblastoma. Last evaluated: 2024-05-20. Review status: criteria provided, single submitter. Criteria: ACMG Guidelines, 2015. Collection method: clinical testing. Allele origin: germline. Affected: yes. Observed: 2 variant alleles.
Comment: Case and Pedigree Information: BILATERAL CASES:2, UNILATERAL CASES:0, TOTAL CASES:2, PEDIGREES:2. ACMG Codes Applied:PVS1, PM2

NM_000321.3(RB1):c.1393G>T (p.Glu465Ter)

Gene: RB1 (RB transcriptional corepressor 1; plus strand). Cytogenetic location: 13q14.2.
Variant type: single nucleotide variant.
Coding change: c.1393G>T on transcript NM_000321.3 (MANE Select); coding-DNA position 1393, G replaced by T.
Protein change: p.Glu465Ter; replaces glutamic acid 465 with a stop codon.
Molecular consequence: nonsense.
Genome position (GRCh38, 1-based): chr13:48,380,056, G>T. VCF-style: chr13-48380056-G-T. GRCh37 (hg19) VCF-style: chr13-48954192-G-T.
Other names: c.1393G>T, p.Glu465Ter (NM_001407165.1, NM_001407166.1); short protein forms E465*.
Identifiers: ClinVar variation 3236981 (VCV003236981.1), dbSNP rs2138142183.
Genomic context (GRCh38, chr13:48,380,056, plus strand): 5'-ACAAATAAGGTTTCAATTAAACAACTTCTTTTTTTTTTTTTAAATTATCTGTTTCAGGAA[G>T]AAGAACGATTATCCATTCAAAATTTTAGGTAAATTTTTTACTTTTAGTAAAAAATTTTTT-3'